The following is an entry in ClinVar:

ClinVar aggregate classification (germline): Uncertain significance (1 of 4 stars; one submission).

Submission:

Labcorp Genetics (formerly Invitae), Labcorp
Classification: Uncertain significance. Last evaluated: 2022-02-11. Review status: criteria provided, single submitter. Criteria: Invitae Variant Classification Sherloc (09022015). Collection method: clinical testing. Allele origin: germline.
Comment: This sequence change replaces glutamic acid, which is acidic and polar, with lysine, which is basic and polar, at codon 185 of the HPS1 protein (p.Glu185Lys). This variant is not present in population databases (gnomAD no frequency). This variant has not been reported in the literature in individuals affected with HPS1-related conditions. ClinVar contains an entry for this variant (Variation ID: 1060356). Algorithms developed to predict the effect of missense changes on protein structure and function (SIFT, PolyPhen-2, Align-GVGD) all suggest that this variant is likely to be tolerated. In summary, the available evidence is currently insufficient to determine the role of this variant in disease. Therefore, it has been classified as a Variant of Uncertain Significance.

NM_000195.5(HPS1):c.553G>A (p.Glu185Lys)

Gene: HPS1 (HPS1 biogenesis of lysosomal organelles complex 3 subunit 1; minus strand). Cytogenetic location: 10q24.2.
Variant type: single nucleotide variant.
Coding change: c.553G>A on transcript NM_000195.5 (MANE Select); coding-DNA position 553, G replaced by A.
Protein change: p.Glu185Lys; replaces glutamic acid 185 with lysine.
Molecular consequence: missense variant. On other transcripts: 5 prime UTR variant (3), intron variant (5).
Genome position (GRCh38, 1-based): chr10:98,431,246, C>T on the plus strand (G>A on the coding strand, the complement: HPS1 is on the minus strand). VCF-style: chr10-98431246-C-T. GRCh37 (hg19) VCF-style: chr10-100191003-C-T.
Other names: c.-321G>A (NM_001311345.2, NM_001322489.2); c.553G>A, p.Glu185Lys (NM_001322476.2, NM_001322477.2, NM_001322478.2 and 3 more transcripts); c.184G>A, p.Glu62Lys (NM_001322483.2, NM_001322484.2, NM_001322485.2); c.-420G>A (NM_001322487.2); c.408-576G>A (NM_001322480.2, NM_001322482.2, NM_001322481.2); c.551-576G>A (NM_001322492.2, NM_001322490.2); short protein forms E185K, E62K.
Identifiers: ClinVar variation 1060356 (VCV001060356.6), dbSNP rs1846420355, ClinGen allele CA378052806.